The following is an entry in ClinVar:

NM_000489.6(ATRX):c.5821A>G (p.Ser1941Gly)

Gene: ATRX (ATRX chromatin remodeler; minus strand). Cytogenetic location: Xq21.1.
Variant type: single nucleotide variant.
Coding change: c.5821A>G on transcript NM_000489.6 (MANE Select); coding-DNA position 5821, A replaced by G.
Protein change: p.Ser1941Gly; replaces serine 1941 with glycine.
Molecular consequence: missense variant.
Genome position (GRCh38, 1-based): chrX:77,599,546, T>C on the plus strand (A>G on the coding strand, the complement: ATRX is on the minus strand). VCF-style: chrX-77599546-T-C. GRCh37 (hg19) VCF-style: chrX-76855015-T-C.
Other names: c.5707A>G, p.Ser1903Gly (NM_138270.5); short protein forms S1903G, S1941G.
Identifiers: ClinVar variation 3367948 (VCV003367948.2).

ClinVar aggregate classification (germline): Uncertain significance. Review status: criteria provided, multiple submitters, no conflicts (2 of 4 stars). 2 submissions from 2 submitters: Uncertain significance (2). Last evaluated 2025-12-21.

Conditions:
Alpha thalassemia-X-linked intellectual disability syndrome (ATRX). Also called: ALPHA-THALASSEMIA/MENTAL RETARDATION SYNDROME, X-LINKED; ATR, NONDELETION TYPE; ATR-X syndrome; Alpha thalassemia mental retardation syndrome, nondeletion type, X-linked; XLMR hypotonic face syndrome; X-linked alpha-thalassemia-mental retardation syndrome. Identifiers: Orphanet 847, MedGen C1845055, MONDO:0010519, OMIM 301040.

Submissions (2):

Labcorp Genetics (formerly Invitae), Labcorp
Classification: Uncertain significance for Alpha thalassemia-X-linked intellectual disability syndrome. Last evaluated: 2025-12-21. Review status: criteria provided, single submitter. Criteria: Invitae Variant Classification Sherloc (09022015). Collection method: clinical testing. Allele origin: germline.
Comment: This sequence change replaces serine, which is neutral and polar, with glycine, which is neutral and non-polar, at codon 1941 of the ATRX protein (p.Ser1941Gly). This variant is not present in population databases (gnomAD no frequency). This variant has not been reported in the literature in individuals affected with ATRX-related conditions. ClinVar contains an entry for this variant (Variation ID: 3367948). Invitae Evidence Modeling of protein sequence and biophysical properties (such as structural, functional, and spatial information, amino acid conservation, physicochemical variation, residue mobility, and thermodynamic stability) indicates that this missense variant is not expected to disrupt ATRX protein function with a negative predictive value of 95%. In summary, the available evidence is currently insufficient to determine the role of this variant in disease. Therefore, it has been classified as a Variant of Uncertain Significance.

GeneDx
Classification: Uncertain significance. Last evaluated: 2024-01-22. Review status: criteria provided, single submitter. Criteria: GeneDx Variant Classification Process June 2021. Collection method: clinical testing. Allele origin: germline. Affected: yes.
Comment: Not observed at significant frequency in large population cohorts (gnomAD); In silico analysis supports that this missense variant does not alter protein structure/function; Has not been previously published as pathogenic or benign to our knowledge